The following is an entry in ClinVar:

ClinVar aggregate classification (germline): Uncertain significance (1 of 4 stars; one submission).

Allele frequency attached by ClinVar (database versions not stated): gnomAD exomes 0.00001; TOPMed 0.00001.
gnomAD v4.1: 6 of 1,614,092 alleles (0.00037%); highest among the groups gnomAD compares: Admixed American, 0.005%; no homozygotes.

Submission:

Labcorp Genetics (formerly Invitae), Labcorp
Classification: Uncertain significance. Last evaluated: 2022-08-01. Review status: criteria provided, single submitter. Criteria: Invitae Variant Classification Sherloc (09022015). Collection method: clinical testing. Allele origin: germline.
Comment: In summary, the available evidence is currently insufficient to determine the role of this variant in disease. Therefore, it has been classified as a Variant of Uncertain Significance. Algorithms developed to predict the effect of sequence changes on RNA splicing suggest that this variant may create or strengthen a splice site. This variant has not been reported in the literature in individuals affected with SLC25A42-related conditions. This variant is present in population databases (rs767257525, gnomAD 0.003%). This sequence change affects codon 168 of the SLC25A42 mRNA. It is a 'silent' change, meaning that it does not change the encoded amino acid sequence of the SLC25A42 protein.

NM_178526.5(SLC25A42):c.504C>T (p.Ser168=)

Gene: SLC25A42 (solute carrier family 25 member 42; plus strand). Cytogenetic location: 19p13.11.
Variant type: single nucleotide variant.
Coding change: c.504C>T on transcript NM_178526.5 (MANE Select); coding-DNA position 504, C replaced by T.
Protein change: p.Ser168=; no amino-acid change (serine 168 retained).
Molecular consequence: synonymous variant.
Genome position (GRCh38, 1-based): chr19:19,107,900, C>T. VCF-style: chr19-19107900-C-T. GRCh37 (hg19) VCF-style: chr19-19218709-C-T.
Other names: c.504C>T, p.Ser168= (NM_001321544.2).
Identifiers: ClinVar variation 2096378 (VCV002096378.4), dbSNP rs767257525, ClinGen allele CA306289584.